The following is an entry in ClinVar:

ClinVar aggregate classification (germline): Likely pathogenic (1 of 4 stars; one submission).

Conditions:
Hereditary spherocytosis type 2. Also called: SPHEROCYTOSIS, TYPE 2, AUTOSOMAL DOMINANT. Identifiers: Orphanet 822, MedGen C2674219, MONDO:0000913, OMIM 616649.

Submission:

3billion
Classification: Likely pathogenic for Hereditary spherocytosis type 2. Last evaluated: 2024-06-12. Review status: criteria provided, single submitter. Criteria: ACMG Guidelines, 2015. Collection method: clinical testing. Allele origin: germline. Affected: yes.
Comment: The variant is not observed in the gnomAD v4.0.0 dataset. Predicted Consequence/Location: Stop-gained (nonsense): predicted to result in a loss or disruption of normal protein function through nonsense-mediated decay (NMD) or protein truncation. Multiple pathogenic variants are reported downstream of the variant. Therefore, this variant is classified as Likely pathogenic according to the recommendation of ACMG/AMP guideline.

NM_001355436.2(SPTB):c.2494C>T (p.Gln832Ter)

Gene: SPTB (spectrin beta, erythrocytic; minus strand). Cytogenetic location: 14q23.3.
Variant type: single nucleotide variant.
Coding change: c.2494C>T on transcript NM_001355436.2 (MANE Select); coding-DNA position 2494, C replaced by T.
Protein change: p.Gln832Ter; replaces glutamine 832 with a stop codon.
Molecular consequence: nonsense.
Genome position (GRCh38, 1-based): chr14:64,793,169, G>A on the plus strand (C>T on the coding strand, the complement: SPTB is on the minus strand). VCF-style: chr14-64793169-G-A. GRCh37 (hg19) VCF-style: chr14-65259887-G-A.
Other names: c.2494C>T, p.Gln832Ter (NM_001024858.4, NM_001355437.2); short protein forms Q832*.
Identifiers: ClinVar variation 4293933 (VCV004293933.1).